The following is an entry in ClinVar:

NM_001009944.3(PKD1):c.8043C>G (p.Arg2681=)

Gene: PKD1 (polycystin 1, transient receptor potential channel interacting; minus strand). Cytogenetic location: 16p13.3.
Variant type: single nucleotide variant.
Coding change: c.8043C>G on transcript NM_001009944.3 (MANE Select); coding-DNA position 8043, C replaced by G.
Protein change: p.Arg2681=; no amino-acid change (arginine 2681 retained).
Molecular consequence: synonymous variant.
Genome position (GRCh38, 1-based): chr16:2,104,616, G>C on the plus strand (C>G on the coding strand, the complement: PKD1 is on the minus strand). VCF-style: chr16-2104616-G-C. GRCh37 (hg19) VCF-style: chr16-2154617-G-C.
Other names: c.8043C>G, p.Arg2681= (NM_000296.4).
Identifiers: ClinVar variation 997359 (VCV000997359.1), dbSNP rs1040303746, ClinGen allele CA276777691.

ClinVar aggregate classification (germline): Uncertain significance (0 of 4 stars; one submission).

Conditions:
Polycystic kidney disease. Also called: Polycystic kidney dysplasia; Kidney, Polycystic. Identifiers: MedGen C0022680, MeSH D007690, MONDO:0020642, HP:0000113.

Allele frequency attached by ClinVar (database versions not stated): gnomAD 0.00001; TOPMed 0.00001.
gnomAD v4.1: 1 of 1,584,422 alleles (0.000063%); highest among the groups gnomAD compares: African/African-American, 0.0014%; no homozygotes.

Submission:

Department of Pathology and Laboratory Medicine, Sinai Health System
Classification: Uncertain significance for Polycystic Kidney disease. Review status: no assertion criteria provided. Collection method: clinical testing. Allele origin: unknown. Affected: yes. Study: The Canadian Open Genetics Repository (COGR).
Comment: The PKD1 p.Arg2681= variant was not identified in the literature nor was it identified in the dbSNP, ClinVar, Genesight-COGR, ADPKD Mutation Database, PKD1-LOVD (unavailable) databases. The variant was not identified in the following control databases: the 1000 Genomes Project, the NHLBI GO Exome Sequencing Project, the Exome Aggregation Consortium (August 8th 2016), or the Genome Aggregation Database (Feb 27, 2017). The p.Arg2681= variant is not expected to have clinical significance because it does not result in a change of amino acid and is not located in a known consensus splice site. In addition, in silico or computational prediction software programs (SpliceSiteFinder, MaxEntScan, NNSPLICE, GeneSplicer, HumanSpliceFinder) do not predict a difference in splicing. In summary, based on the above information the clinical significance of this variant cannot be determined with certainty at this time. This variant is classified as a variant of uncertain significance.